The following is an entry in ClinVar:

NM_005228.5(EGFR):c.213_228del (p.Gln71fs)

Gene: EGFR (epidermal growth factor receptor; plus strand). Cytogenetic location: 7p11.2.
Variant type: Deletion.
Coding change: c.213_228del on transcript NM_005228.5 (MANE Select); coding-DNA positions 213 to 228, 16 bases deleted (GAGGAATTATGATCTT).
Protein change: p.Gln71fs; shifts the reading frame from glutamine 71.
Molecular consequence: frameshift variant. On other transcripts: intron variant (1).
Genome position (GRCh38, 1-based): chr7:55,142,410-55,142,425, GAGGAATTATGATCTT deleted. VCF-style (leftmost placement, unchanged base first): chr7-55142409-AGAGGAATTATGATCTT-A. GRCh37 (hg19) VCF-style: chr7-55210102-AGAGGAATTATGATCTT-A.
Other names: c.213_228del, p.Gln71fs (NM_001346897.2, NM_001346898.2, NM_001346899.2 and 3 more transcripts); c.54_69del, p.Gln18fs (NM_001346900.2); c.89-13420_89-13405del (NM_001346941.2); short protein forms Q71fs, Q18fs.
Identifiers: ClinVar variation 2700802 (VCV002700802.3), dbSNP rs2535440714, ClinGen allele CA2697557269.
Genomic context (GRCh38, chr7:55,142,409, plus strand): 5'-TCCAGAGGATGTTCAATAACTGTGAGGTGGTCCTTGGGAATTTGGAAATTACCTATGTGC[AGAGGAATTATGATCTT>A]TCCTTCTTAAAGGTTGGTGACTTTGATTTTCCTACACAAATAAAATTGGAGAAAATCTAA-3'

ClinVar aggregate classification (germline): Pathogenic (1 of 4 stars; one submission).

Conditions:
EGFR-related lung cancer (EGFR). Identifiers: MedGen CN130014.

Submission:

Labcorp Genetics (formerly Invitae), Labcorp
Classification: Pathogenic for EGFR-related lung cancer. Last evaluated: 2023-12-04. Review status: criteria provided, single submitter. Criteria: Invitae Variant Classification Sherloc (09022015). Collection method: clinical testing. Allele origin: germline.
Comment: This sequence change creates a premature translational stop signal (p.Gln71Hisfs*4) in the EGFR gene. It is expected to result in an absent or disrupted protein product. Loss-of-function variants in EGFR are known to be pathogenic (PMID: 7630400, 28726809, 29899996). This variant is not present in population databases (gnomAD no frequency). This variant has not been reported in the literature in individuals affected with EGFR-related conditions. For these reasons, this variant has been classified as Pathogenic.

Literature cited by the submitters: PubMed 7630400; PubMed 28726809; PubMed 29899996.